The following is an entry in ClinVar:

ClinVar aggregate classification (germline): Uncertain significance. Review status: criteria provided, multiple submitters, no conflicts (2 of 4 stars). 4 submissions from 4 submitters: Uncertain significance (4). Last evaluated 2026-09-08.

Conditions:
Cardiovascular phenotype. Identifiers: MedGen CN230736.
Fabry disease. Also called: Ceramide trihexosidosis; Fabry's disease; Angiokeratoma corporis diffusum; ALPHA-GALACTOSIDASE A DEFICIENCY; ANDERSON-FABRY DISEASE; CERAMIDE TRIHEXOSIDASE DEFICIENCY. Identifiers: Orphanet 324, MedGen C0002986, MONDO:0010526, OMIM 301500, HP:0001071. Disease mechanism: loss of function, Fabry disease is due to inactivating mutations in the X-linked GLA gene resulting in deficiency of the enzyme Alpha Galactosidase-A..

Allele frequency attached by ClinVar (database versions not stated): gnomAD exomes below 0.00001; TOPMed below 0.00001; gnomAD 0.00001.
gnomAD v4.1: 2 of 1,175,605 alleles (0.00017%); highest among the groups gnomAD compares: African/African-American, 0.0035%; no homozygotes.

Submissions (4):

Genomenon, Inc
Classification: Uncertain significance for Fabry disease. Last evaluated: 2026-09-08. Review status: criteria provided, single submitter. Criteria: Genomenon Sequence Variant Interpretation Standards - Updated. Collection method: curation. Allele origin: germline. Affected: yes.
Comment: GLA p.Leu206Val (c.616C>G) is a missense variant that changes the amino acid at codon 206 from Leucine to Valine. This variant has been observed in at least one proband with clinical features consistent with Fabry disease (PMID:29121657). This variant is located in a mutational hotspot and/or important functional domain. It is absent or not present at a significant frequency in gnomAD. In conclusion, we classify GLA p.Leu206Val (c.616C>G) as a variant of uncertain significance.

Ambry Genetics
Classification: Uncertain significance for Cardiovascular phenotype. Last evaluated: 2024-08-07. Review status: criteria provided, single submitter. Criteria: Ambry Variant Classification Scheme 2023. Collection method: clinical testing. Allele origin: germline.
Comment: The p.L206V variant (also known as c.616C>G), located in coding exon 4 of the GLA gene, results from a C to G substitution at nucleotide position 616. The leucine at codon 206 is replaced by valine, an amino acid with highly similar properties. This variant has been detected in a hypertrophic cardiomyopathy cohort; however, clinical details were not provided (Viswanathan SK et al. PLoS ONE, 2017 Nov;12:e0187948). This amino acid position is well conserved in available vertebrate species. In addition, the in silico prediction for this alteration is inconclusive. Since supporting evidence is limited at this time, the clinical significance of this alteration remains unclear.

GeneDx
Classification: Uncertain significance. Last evaluated: 2024-01-18. Review status: criteria provided, single submitter. Criteria: GeneDx Variant Classification Process June 2021. Collection method: clinical testing. Allele origin: germline. Affected: yes.
Comment: In silico analysis supports that this missense variant does not alter protein structure/function; Not observed at significant frequency in large population cohorts (gnomAD); This variant is associated with the following publications: (PMID: 29121657)

Labcorp Genetics (formerly Invitae), Labcorp
Classification: Uncertain significance for Fabry disease. Last evaluated: 2023-10-08. Review status: criteria provided, single submitter. Criteria: Invitae Variant Classification Sherloc (09022015). Collection method: clinical testing. Allele origin: germline.
Comment: This sequence change replaces leucine, which is neutral and non-polar, with valine, which is neutral and non-polar, at codon 206 of the GLA protein (p.Leu206Val). This variant is not present in population databases (gnomAD no frequency). This missense change has been observed in individual(s) with hypertrophic cardiomyopathy (PMID: 29121657). ClinVar contains an entry for this variant (Variation ID: 180839). Advanced modeling of protein sequence and biophysical properties (such as structural, functional, and spatial information, amino acid conservation, physicochemical variation, residue mobility, and thermodynamic stability) performed at Invitae indicates that this missense variant is not expected to disrupt GLA protein function. In summary, the available evidence is currently insufficient to determine the role of this variant in disease. Therefore, it has been classified as a Variant of Uncertain Significance.

Literature cited by the submitters: PubMed 29121657 (cited by 3 submitters).

NM_000169.3(GLA):c.616C>G (p.Leu206Val)

Genes: GLA (galactosidase alpha; minus strand), RPL36A-HNRNPH2 (RPL36A-HNRNPH2 readthrough; plus strand). Cytogenetic location: Xq22.1.
Variant type: single nucleotide variant.
Coding change: c.616C>G on transcript NM_000169.3 (MANE Select); coding-DNA position 616, C replaced by G.
Protein change: p.Leu206Val; replaces leucine 206 with valine.
Molecular consequence: missense variant. On other transcripts: non-coding transcript variant (2), intron variant (2).
Genome position (GRCh38, 1-based): chrX:101,400,689, G>C on the plus strand (C>G on the coding strand, the complement: GLA is on the minus strand). VCF-style: chrX-101400689-G-C. GRCh37 (hg19) VCF-style: chrX-100655677-G-C.
Other names: p.L206V:CTT>GTT; c.739C>G, p.Leu247Val (NM_001406747.1); c.616C>G, p.Leu206Val (NM_001406748.1); c.300+5232G>C (NM_001199973.2); c.177+8867G>C (NM_001199974.2); short protein forms L206V, L247V.
Identifiers: ClinVar variation 180839 (VCV000180839.9), dbSNP rs730880448, ClinGen allele CA021832.
Genomic context (GRCh38, chrX:101,400,689, plus strand): 5'-AGTACAGTTCTATTGGATTCTGGGCTCACTATCTCACCTTTTGAAAGGGCCACATATAAA[G>C]AGGCCACTCACAGGAGTACACAATGCTTCTGCCAGTCCTATTCAGGGCCAAGGACATGTG-3'
Protein context (NP_000160.1, residues 196-216): RSIVYSCEWP[Leu206Val]YMWPFQKPNY